The following is an entry in ClinVar:

ClinVar aggregate classification (germline): Uncertain significance (1 of 4 stars; one submission).

Submission:

GeneDx
Classification: Uncertain significance. Last evaluated: 2024-03-29. Review status: criteria provided, single submitter. Criteria: GeneDx Variant Classification Process June 2021. Collection method: clinical testing. Allele origin: germline. Affected: yes.
Comment: Not observed at significant frequency in large population cohorts (gnomAD); In silico analysis supports that this missense variant has a deleterious effect on protein structure/function; Has not been previously published as pathogenic or benign to our knowledge

NM_005159.5(ACTC1):c.157G>T (p.Asp53Tyr)

Genes: ACTC1 (actin alpha cardiac muscle 1; minus strand), GJD2-DT (GJD2 divergent transcript; plus strand). Cytogenetic location: 15q14.
Variant type: single nucleotide variant.
Coding change: c.157G>T on transcript NM_005159.5 (MANE Select); coding-DNA position 157, G replaced by T.
Protein change: p.Asp53Tyr; replaces aspartic acid 53 with tyrosine.
Molecular consequence: missense variant. On other transcripts: 5 prime UTR variant (1).
Genome position (GRCh38, 1-based): chr15:34,793,542, C>A on the plus strand (G>T on the coding strand, the complement: ACTC1 is on the minus strand). VCF-style: chr15-34793542-C-A. GRCh37 (hg19) VCF-style: chr15-35085743-C-A.
Other names: c.157G>T, p.Asp53Tyr (NM_001406482.1, NM_001406483.1); c.22G>T, p.Asp8Tyr (NM_001406484.1); c.-232G>T (NM_001406485.1); short protein forms D53Y, D8Y.
Identifiers: ClinVar variation 3371658 (VCV003371658.1).